The following is an entry in ClinVar:

ClinVar aggregate classification (germline): Uncertain significance (1 of 4 stars; one submission).

Conditions:
Familial cold autoinflammatory syndrome 2 (FCAS2). Identifiers: Orphanet 247868, MedGen C2673198, MONDO:0012724, OMIM 611762.

gnomAD v4.1: 4 of 1,614,156 alleles (0.00025%); highest among the groups gnomAD compares: Admixed American, 0.0033%; no homozygotes.

Submission:

Labcorp Genetics (formerly Invitae), Labcorp
Classification: Uncertain significance for Familial cold autoinflammatory syndrome 2. Last evaluated: 2025-12-17. Review status: criteria provided, single submitter. Criteria: Invitae Variant Classification Sherloc (09022015). Collection method: clinical testing. Allele origin: germline.
Comment: This sequence change replaces glycine, which is neutral and non-polar, with serine, which is neutral and polar, at codon 536 of the NLRP12 protein (p.Gly536Ser). This variant is not present in population databases (gnomAD no frequency). This variant has not been reported in the literature in individuals affected with NLRP12-related conditions. An algorithm developed to predict the effect of missense changes on protein structure and function outputs the following: PolyPhen-2: "Benign". The serine amino acid residue is found in multiple mammalian species, which suggests that this missense change does not adversely affect protein function. In summary, the available evidence is currently insufficient to determine the role of this variant in disease. Therefore, it has been classified as a Variant of Uncertain Significance.

NM_144687.4(NLRP12):c.1606G>A (p.Gly536Ser)

Gene: NLRP12 (NLR family pyrin domain containing 12; minus strand). Cytogenetic location: 19q13.42.
Variant type: single nucleotide variant.
Coding change: c.1606G>A on transcript NM_144687.4 (MANE Select); coding-DNA position 1606, G replaced by A.
Protein change: p.Gly536Ser; replaces glycine 536 with serine.
Molecular consequence: missense variant.
Genome position (GRCh38, 1-based): chr19:53,810,053, C>T on the plus strand (G>A on the coding strand, the complement: NLRP12 is on the minus strand). VCF-style: chr19-53810053-C-T. GRCh37 (hg19) VCF-style: chr19-54313307-C-T.
Other names: c.1606G>A, p.Gly536Ser (NM_001277126.2, NM_001277129.1); short protein forms G536S.
Identifiers: ClinVar variation 4753502 (VCV004753502.1).